The following is an entry in ClinVar:

NM_001142864.4(PIEZO1):c.4117C>T (p.Arg1373Cys)

Gene: PIEZO1 (piezo type mechanosensitive ion channel component 1 (Er blood group); minus strand). Cytogenetic location: 16q24.3.
Variant type: single nucleotide variant.
Coding change: c.4117C>T on transcript NM_001142864.4 (MANE Select); coding-DNA position 4117, C replaced by T.
Protein change: p.Arg1373Cys; replaces arginine 1373 with cysteine.
Molecular consequence: missense variant.
Genome position (GRCh38, 1-based): chr16:88,725,461, G>A on the plus strand (C>T on the coding strand, the complement: PIEZO1 is on the minus strand). VCF-style: chr16-88725461-G-A. GRCh37 (hg19) VCF-style: chr16-88791869-G-A.
Other names: c.4117C>T (NM_001142864.2); short protein forms R1373C.
Identifiers: ClinVar variation 1372258 (VCV001372258.7), dbSNP rs980052704, ClinGen allele CA286412867.

ClinVar aggregate classification (germline): Uncertain significance. Review status: criteria provided, multiple submitters, no conflicts (2 of 4 stars). 2 submissions from 2 submitters: Uncertain significance (2). Last evaluated 2024-03-07.

Conditions:
Inborn genetic diseases. Identifiers: MedGen C0950123, MeSH D030342.

gnomAD v4.1: 29 of 1,505,768 alleles (0.0019%); highest among the groups gnomAD compares: Non-Finnish European, 0.0022%; no homozygotes.

Submissions (2):

Ambry Genetics
Classification: Uncertain significance for Inborn genetic diseases. Last evaluated: 2024-03-07. Review status: criteria provided, single submitter. Criteria: Ambry Variant Classification Scheme 2023. Collection method: clinical testing. Allele origin: germline.

Labcorp Genetics (formerly Invitae), Labcorp
Classification: Uncertain significance. Last evaluated: 2021-11-18. Review status: criteria provided, single submitter. Criteria: Invitae Variant Classification Sherloc (09022015). Collection method: clinical testing. Allele origin: germline.
Comment: In summary, the available evidence is currently insufficient to determine the role of this variant in disease. Therefore, it has been classified as a Variant of Uncertain Significance. Advanced modeling of protein sequence and biophysical properties (such as structural, functional, and spatial information, amino acid conservation, physicochemical variation, residue mobility, and thermodynamic stability) performed at Invitae indicates that this missense variant is not expected to disrupt PIEZO1 protein function. This sequence change replaces arginine, which is basic and polar, with cysteine, which is neutral and slightly polar, at codon 1373 of the PIEZO1 protein (p.Arg1373Cys). This variant is not present in population databases (gnomAD no frequency). This variant has not been reported in the literature in individuals affected with PIEZO1-related conditions.